The following is an entry in ClinVar:

NM_052874.5(STX1B):c.-15_-4dup

Gene: STX1B (syntaxin 1B; minus strand). Cytogenetic location: 16p11.2.
Variant type: Duplication.
Coding change: c.-15_-4dup on transcript NM_052874.5 (MANE Select); 15 bases upstream of the start codon through 4 bases upstream of the start codon, 12 bases duplicated (GCCGTCGCAGGA).
Molecular consequence: inframe insertion, initiator codon variant.
Genome position (GRCh38, 1-based): chr16:31,010,396-31,010,407, TCCTGCGACGGC duplicated on the plus strand (GCCGTCGCAGGA on the coding strand, the reverse complement: STX1B is on the minus strand); duplicating any 12 consecutive bases within chr16:31,010,396-31,010,411 gives the same sequence; the c. name uses the placement nearest the transcript's 3' end. VCF-style (leftmost placement, unchanged base first): chr16-31010395-A-ATCCTGCGACGGC. GRCh37 (hg19) VCF-style: chr16-31021716-A-ATCCTGCGACGGC.
Other names: c.-11_1dup12 (NM_052874.4).
Identifiers: ClinVar variation 2989188 (VCV002989188.6), dbSNP rs2543975583, ClinGen allele CA2632804472.

ClinVar aggregate classification (germline): Uncertain significance. Review status: criteria provided, multiple submitters, no conflicts (2 of 4 stars). 2 submissions from 2 submitters: Uncertain significance (2). Last evaluated 2026-07-16.

Conditions:
Generalized epilepsy with febrile seizures plus, type 9 (GEFSP9). Also called: GEFS+, TYPE 9. Identifiers: Orphanet 36387, MedGen C4015395, MONDO:0014517, OMIM 616172.
STX1B-related disorder. Also called: STX1B-related condition.

Submissions (2):

PreventionGenetics, part of Exact Sciences
Classification: Uncertain significance for STX1B-related condition. Last evaluated: 2026-07-16. Review status: criteria provided, single submitter. Criteria: ACMG Guidelines, 2015. Collection method: clinical testing. Allele origin: germline.
Comment: The STX1B c.-11_1dup12 variant is located in the 5' untranslated region. This variant involves the initiating methionine start codon; however, it is uncertain whether this variant disrupts normal protein coding as the start (ATG) codon remains intact. To our knowledge, this variant has not been reported in the literature or in a large population database, indicating this variant is rare. At this time, the clinical significance of this variant is uncertain due to the absence of conclusive functional and genetic evidence.

Labcorp Genetics (formerly Invitae), Labcorp
Classification: Uncertain significance for Generalized epilepsy with febrile seizures plus, type 9. Last evaluated: 2024-01-22. Review status: criteria provided, single submitter. Criteria: Invitae Variant Classification Sherloc (09022015). Collection method: clinical testing. Allele origin: germline.
Comment: This variant occurs in a non-coding region of the STX1B gene. It does not change the encoded amino acid sequence of the STX1B protein. This variant is not present in population databases (gnomAD no frequency). This variant has not been reported in the literature in individuals affected with STX1B-related conditions. Experimental studies and prediction algorithms are not available or were not evaluated, and the functional significance of this variant is currently unknown. In summary, the available evidence is currently insufficient to determine the role of this variant in disease. Therefore, it has been classified as a Variant of Uncertain Significance.